The following is an entry in ClinVar:

NM_000257.4(MYH7):c.4642G>A (p.Glu1548Lys)

Genes: MHRT (myosin heavy chain associated RNA transcript; plus strand), MYH7 (myosin heavy chain 7; minus strand). Cytogenetic location: 14q11.2.
Variant type: single nucleotide variant.
Coding change: c.4642G>A on transcript NM_000257.4 (MANE Select); coding-DNA position 4642, G replaced by A.
Protein change: p.Glu1548Lys; replaces glutamic acid 1548 with lysine.
Molecular consequence: missense variant.
Genome position (GRCh38, 1-based): chr14:23,416,870, C>T on the plus strand (G>A on the coding strand, the complement: MYH7 is on the minus strand). VCF-style: chr14-23416870-C-T. GRCh37 (hg19) VCF-style: chr14-23886079-C-T.
Other names: c.4642G>A, p.Glu1548Lys (NM_001407004.1); short protein forms E1548K.
Identifiers: ClinVar variation 1742121 (VCV001742121.5), dbSNP rs1025023496, ClinGen allele CA389037961.
Genomic context (GRCh38, chr14:23,416,870, plus strand): 5'-AGGGACCAAAAGCCTGGAGCTCAGCTCCCTGCACCCCGTGCCCTGCACACACACACACCT[C>T]GGCCTCCTCCAGGGCTGACTGCAGCTCCATCTTCTCGGCCTCCAGCTGCTTTCGGACCTT-3'
Protein context (NP_000248.2, residues 1538-1558): MELQSALEEA[Glu1548Lys]ASLEHEEGKI

ClinVar aggregate classification (germline): Uncertain significance. Review status: criteria provided, multiple submitters, no conflicts (2 of 4 stars). 3 submissions from 3 submitters: Uncertain significance (3). Last evaluated 2024-12-17.

Conditions:
Hypertrophic cardiomyopathy. Also called: HYPERTROPHIC MYOCARDIOPATHY. Identifiers: Orphanet 217569, MedGen C0007194, MeSH D002312, MONDO:0005045, HP:0001639.
Cardiovascular phenotype. Identifiers: MedGen CN230736.
Hypertrophic cardiomyopathy 1 (CMH1). Also called: Familial hypertrophic cardiomyopathy 1; MYH7-Related Familial Hypertrophic Cardiomyopathy. Identifiers: MedGen C3495498, MONDO:0008647, OMIM 192600.

Allele frequency attached by ClinVar (database versions not stated): gnomAD exomes below 0.00001; gnomAD 0.00001.
gnomAD v4.1: 4 of 1,614,076 alleles (0.00025%); highest among the groups gnomAD compares: African/African-American, 0.0013%; no homozygotes.

Submissions (3):

Labcorp Genetics (formerly Invitae), Labcorp
Classification: Uncertain significance for Hypertrophic cardiomyopathy. Last evaluated: 2024-12-17. Review status: criteria provided, single submitter. Criteria: Invitae Variant Classification Sherloc (09022015). Collection method: clinical testing. Allele origin: germline.
Comment: This sequence change replaces glutamic acid, which is acidic and polar, with lysine, which is basic and polar, at codon 1548 of the MYH7 protein (p.Glu1548Lys). This variant is not present in population databases (gnomAD no frequency). This variant has not been reported in the literature in individuals affected with MYH7-related conditions. ClinVar contains an entry for this variant (Variation ID: 1742121). Experimental studies and prediction algorithms are not available or were not evaluated, and the functional significance of this variant is currently unknown. In summary, the available evidence is currently insufficient to determine the role of this variant in disease. Therefore, it has been classified as a Variant of Uncertain Significance.

Ambry Genetics
Classification: Uncertain significance for Cardiovascular phenotype. Last evaluated: 2023-11-01. Review status: criteria provided, single submitter. Criteria: Ambry Variant Classification Scheme 2023. Collection method: clinical testing. Allele origin: germline.
Comment: The p.E1548K variant (also known as c.4642G>A), located in coding exon 31 of the MYH7 gene, results from a G to A substitution at nucleotide position 4642. The glutamic acid at codon 1548 is replaced by lysine, an amino acid with similar properties. This amino acid position is highly conserved in available vertebrate species. In addition, this alteration is predicted to be deleterious by in silico analysis. Since supporting evidence is limited at this time, the clinical significance of this alteration remains unclear.

Victorian Clinical Genetics Services, Murdoch Childrens Research Institute
Classification: Uncertain significance for Hypertrophic cardiomyopathy 1. Last evaluated: 2020-10-19. Review status: criteria provided, single submitter. Criteria: ACMG Guidelines, 2015. Collection method: clinical testing. Allele origin: germline. Affected: yes.
Comment: Based on the classification scheme VCGS_Germline_v1.3.3, this variant is classified as 3B-VUS. Following criteria are met: 0105 - The mechanism of disease for this gene is not clearly established. However, missense variants have been proposed to act in a dominant negative manner (PMID: 24714796). (I) 0108 - This gene is associated with both recessive and dominant disease. Pathogenic variants in this gene are usually heterozygous, however a recessive inheritance pattern has been observed in severe cases (OMIM). (I) 0112 - The condition associated with this gene has incomplete penetrance (PMID 29300372). (I) 0200 - Variant is predicted to result in a missense amino acid change from glutamic acid to lysine. (I) 0251 - This variant is heterozygous. (I) 0302 - Variant is present in gnomAD (v3) <0.001 for a dominant condition (1 heterozygote, 0 homozygotes). (SP) 0309 - An alternative amino acid change at the same position has been observed in gnomAD (v2) (1 heterozygote, 0 homozygotes). (I) 0501 - Missense variant consistently predicted to be damaging by multiple in silico tools or highly conserved with a major amino acid change. (SP) 0600 - Variant is located in the annotated myosin tail domain (PDB). (I) 0704 - Other missense variants comparable to the one identified in this case have limited previous evidence for pathogenicity. An alternative missense variant (p.Glu1548Ala) has been reported as likely pathogenic (ClinVar), and another variant (p.Glu1548Ala) as a VUS, in a patient with dilated cardiomyopathy and hypertrophic cardiomyopathy (ClinVar, PMID: 27532257). (SP) 0807 - This variant has no previous evidence of pathogenicity. (I) 0905 - No published segregation evidence has been identified for this variant. (I) 1007 - No published functional evidence has been identified for this variant. (I) 1208 - Inheritance information for this variant is not currently available in this individual. (I) Legend: (SP) - Supporting pathogenic, (I) - Information, (SB) - Supporting benign

Literature cited by the submitters: PubMed 24714796 (cited by Victorian Clinical Genetics Services, Murdoch Childrens Research Institute); PubMed 27532257 (cited by Victorian Clinical Genetics Services, Murdoch Childrens Research Institute); PubMed 29300372 (cited by Victorian Clinical Genetics Services, Murdoch Childrens Research Institute).